The following is an entry in ClinVar:

NM_001303052.2(MYT1L):c.111C>T (p.Asp37=)

Gene: MYT1L (myelin transcription factor 1 like; minus strand). Cytogenetic location: 2p25.3.
Variant type: single nucleotide variant.
Coding change: c.111C>T on transcript NM_001303052.2 (MANE Select); coding-DNA position 111, C replaced by T.
Protein change: p.Asp37=; no amino-acid change (aspartic acid 37 retained).
Molecular consequence: synonymous variant.
Genome position (GRCh38, 1-based): chr2:1,979,206, G>A on the plus strand (C>T on the coding strand, the complement: MYT1L is on the minus strand). VCF-style: chr2-1979206-G-A. GRCh37 (hg19) VCF-style: chr2-1982978-G-A.
Other names: c.111C>T, p.Asp37= (NM_001329844.2, NM_001329845.1, NM_001329846.3 and 6 more transcripts).
Identifiers: ClinVar variation 752208 (VCV000752208.25), dbSNP rs546427673, ClinGen allele CA1514447.

ClinVar aggregate classification (germline): Benign/Likely benign. Review status: criteria provided, multiple submitters, no conflicts (2 of 4 stars). 3 submissions from 3 submitters: Benign (2); Likely benign (1). Last evaluated 2024-03-01.

Allele frequency attached by ClinVar (database versions not stated): TOPMed 0.00009; ExAC 0.00016; gnomAD exomes 0.00018 and 0.00009; 1000 Genomes Project 0.00020; 1000 Genomes Project 30x 0.00031; gnomAD 0.00005 and 0.00006.
gnomAD v4.1: 138 of 1,613,852 alleles (0.0086%); highest among the groups gnomAD compares: East Asian, 0.12%; no homozygotes.

Submissions (3):

CeGaT Center for Human Genetics Tuebingen
Classification: Likely benign. Last evaluated: 2024-03-01. Review status: criteria provided, single submitter. Criteria: CeGaT Center For Human Genetics Tuebingen Variant Classification Criteria Version 2. Collection method: clinical testing. Allele origin: germline. Affected: yes. Observed: 1 variant allele.
Comment: MYT1L: BP4, BP7, BS1

Labcorp Genetics (formerly Invitae), Labcorp
Classification: Benign. Last evaluated: 2018-09-19. Review status: criteria provided, single submitter. Criteria: Invitae Variant Classification Sherloc (09022015). Collection method: clinical testing. Allele origin: germline.

Breakthrough Genomics
Classification: Benign. Review status: criteria provided, single submitter. Criteria: ACMG Guidelines, 2015. Collection method: not provided. Allele origin: germline. Inheritance: Autosomal dominant inheritance. Affected: yes.